The following is an entry in ClinVar:

ClinVar aggregate classification (germline): Conflicting classifications of pathogenicity. Review status: criteria provided, conflicting classifications (1 of 4 stars). 4 submissions from 4 submitters: Likely pathogenic (1); Uncertain significance (3). Last evaluated 2025-07-01.

Conditions:
COL18A1-related disorder. Also called: COL18A1-related condition; COL18A1-related disorders.
Knobloch syndrome 1 (KNO1). Identifiers: MedGen C4551775, MONDO:0800167, OMIM 267750.

gnomAD v4.1: 22 of 1,611,328 alleles (0.0014%); highest among the groups gnomAD compares: East Asian, 0.036%; no homozygotes.

Submissions (4):

PreventionGenetics, part of Exact Sciences
Classification: Uncertain significance for COL18A1-related condition. Last evaluated: 2025-07-01. Review status: criteria provided, single submitter. Criteria: ACMG Guidelines, 2015. Collection method: clinical testing. Allele origin: germline.
Comment: The COL18A1 c.3268G>A variant is predicted to result in the amino acid substitution p.Gly1090Arg. To our knowledge, this variant has not been reported in the literature. This variant is reported in 0.045% of alleles in individuals of East Asian descent in gnomAD. At this time, the clinical significance of this variant is uncertain due to the absence of conclusive functional and genetic evidence.

3billion
Classification: Uncertain significance for Knobloch syndrome 1. Last evaluated: 2025-04-03. Review status: criteria provided, single submitter. Criteria: ACMG Guidelines, 2015. Collection method: clinical testing. Allele origin: germline. Affected: yes.

Labcorp Genetics (formerly Invitae), Labcorp
Classification: Uncertain significance. Last evaluated: 2022-10-05. Review status: criteria provided, single submitter. Criteria: Invitae Variant Classification Sherloc (09022015). Collection method: clinical testing. Allele origin: germline.
Comment: In summary, the available evidence is currently insufficient to determine the role of this variant in disease. Therefore, it has been classified as a Variant of Uncertain Significance. Experimental studies and prediction algorithms are not available or were not evaluated, and the functional significance of this variant is currently unknown. ClinVar contains an entry for this variant (Variation ID: 1505525). This variant has not been reported in the literature in individuals affected with COL18A1-related conditions. This variant is present in population databases (rs767090801, gnomAD 0.05%). This sequence change replaces glycine with arginine at codon 910 of the COL18A1 protein (p.Gly910Arg). There is a moderate physicochemical difference between glycine and arginine.

MGZ Medical Genetics Center
Classification: Likely pathogenic for Knobloch syndrome 1. Last evaluated: 2022-07-22. Review status: criteria provided, single submitter. Criteria: ACMG Guidelines, 2015. Collection method: clinical testing. Allele origin: germline. Affected: yes. Observed: 1 variant allele.
Comment: ACMG criteria applied: PM1_STR, PM2_SUP, PP3

NM_001379500.1(COL18A1):c.2728G>A (p.Gly910Arg)

Genes: COL18A1 (collagen type XVIII alpha 1 chain; plus strand), SLC19A1 (solute carrier family 19 member 1; minus strand). Cytogenetic location: 21q22.3.
Variant type: single nucleotide variant.
Coding change: c.2728G>A on transcript NM_001379500.1 (MANE Select); coding-DNA position 2728, G replaced by A.
Protein change: p.Gly910Arg; replaces glycine 910 with arginine.
Molecular consequence: missense variant.
Genome position (GRCh38, 1-based): chr21:45,504,416, G>A. VCF-style: chr21-45504416-G-A. GRCh37 (hg19) VCF-style: chr21-46924330-G-A.
Other names: c.3268G>A (NM_030582.3); c.3268G>A, p.Gly1090Arg (NM_030582.4); c.3973G>A, p.Gly1325Arg (NM_130444.3); short protein forms G1090R, G910R, G1325R.
Identifiers: ClinVar variation 1505525 (VCV001505525.8), dbSNP rs767090801, ClinGen allele CA10067440.